The following is an entry in ClinVar:

NM_000540.3(RYR1):c.8238C>T (p.Ile2746=)

Gene: RYR1 (ryanodine receptor 1; plus strand). Cytogenetic location: 19q13.2.
Variant type: single nucleotide variant.
Coding change: c.8238C>T on transcript NM_000540.3 (MANE Select); coding-DNA position 8238, C replaced by T.
Protein change: p.Ile2746=; no amino-acid change (isoleucine 2746 retained).
Molecular consequence: synonymous variant.
Genome position (GRCh38, 1-based): chr19:38,505,009, C>T. VCF-style: chr19-38505009-C-T. GRCh37 (hg19) VCF-style: chr19-38995649-C-T.
Other names: c.8238C>T, p.Ile2746= (NM_001042723.2).
Identifiers: ClinVar variation 1576303 (VCV001576303.9), dbSNP rs2145630003, ClinGen allele CA507354131.

ClinVar aggregate classification (germline): Likely benign. Review status: criteria provided, multiple submitters, no conflicts (2 of 4 stars). 2 submissions from 2 submitters: Likely benign (2). Last evaluated 2025-05-25.

Conditions:
Malignant hyperthermia, susceptibility to, 1 (MHS1). Also called: RYR1-Related Malignant Hyperthermia Susceptibility; Anesthesia related hyperthermia; Malignant hyperpyrexia; Fulminating hyperpyrexia; Pharmacogenic myopathy; Malignant hyperthermia suceptibility 1. Identifiers: Orphanet 423, MedGen C2930980, MONDO:0007783, OMIM 145600.
RYR1-related disorder. Also called: RYR1-related condition; RYR1-related disorders. Identifiers: MedGen CN239331.

Submissions (2):

Labcorp Genetics (formerly Invitae), Labcorp
Classification: Likely benign for RYR1-related disorder. Last evaluated: 2025-05-25. Review status: criteria provided, single submitter. Criteria: Invitae Variant Classification Sherloc (09022015). Collection method: clinical testing. Allele origin: germline.

All of Us Research Program, National Institutes of Health
Classification: Likely benign for Malignant hyperthermia, susceptibility to, 1. Last evaluated: 2024-08-06. Review status: criteria provided, single submitter. Criteria: ACMG Guidelines, 2015. Collection method: clinical testing. Allele origin: germline. Inheritance: Autosomal dominant inheritance. Observed: 2 variant alleles, 2 heterozygotes.
Comment: This study involves interpretation of variants in research participants for the purpose of population health screening. Participant phenotype was not available at the time of variant classification. Additional details can be found in publication PMID: 35346344, PMCID: PMC8962531